The following is an entry in ClinVar:

ClinVar aggregate classification (germline): Uncertain significance (1 of 4 stars; one submission).

Conditions:
Hereditary pancreatitis (PCTT). Also called: Hereditary chronic pancreatitis; PRSS1-Related Hereditary Pancreatitis. Identifiers: Orphanet 676, MedGen C0238339, MONDO:0008185, OMIM 167800.

Submission:

Ambry Genetics
Classification: Uncertain significance for Hereditary pancreatitis. Last evaluated: 2024-09-01. Review status: criteria provided, single submitter. Criteria: Ambry Variant Classification Scheme 2023. Collection method: clinical testing. Allele origin: germline.
Comment: The p.A163D variant (also known as c.488C>A), located in coding exon 4 of the PRSS1 gene, results from a C to A substitution at nucleotide position 488. The alanine at codon 163 is replaced by aspartic acid, an amino acid with dissimilar properties. This amino acid position is conserved. In addition, the in silico prediction for this alteration is inconclusive. Based on the available evidence, the clinical significance of this variant remains unclear.

NM_002769.4:c.488C>A

Gene: PRSS1 (serine protease 1; plus strand).
Variant type: single nucleotide variant.
Identifiers: ClinVar variation 3426323 (VCV003426323.1).